The following is an entry in ClinVar:

NM_020632.3(ATP6V0A4):c.417+14G>C

Gene: ATP6V0A4 (ATPase H+ transporting V0 subunit a4; minus strand). Cytogenetic location: 7q34.
Variant type: single nucleotide variant.
Coding change: c.417+14G>C on transcript NM_020632.3 (MANE Select); 14 bases into the intron after coding-DNA position 417, G replaced by C.
Molecular consequence: intron variant.
Genome position (GRCh38, 1-based): chr7:138,762,886, C>G on the plus strand (G>C on the coding strand, the complement: ATP6V0A4 is on the minus strand). VCF-style: chr7-138762886-C-G. GRCh37 (hg19) VCF-style: chr7-138447631-C-G.
Other names: c.417+14G>C (NM_130840.3, NM_130841.3).
Identifiers: ClinVar variation 911682 (VCV000911682.23), dbSNP rs141824671, ClinGen allele CA4505141.

ClinVar aggregate classification (germline): Benign/Likely benign. Review status: criteria provided, multiple submitters, no conflicts (2 of 4 stars). 7 submissions from 7 submitters: Benign (2); Likely benign (3). 2 of the submissions do not count toward it. Last evaluated 2026-02-04.

Conditions:
Renal tubular acidosis, distal, 3, with or without sensorineural hearing loss (DRTA3). Identifiers: MedGen C5399980, MONDO:0011268, OMIM 602722.
Autosomal recessive distal renal tubular acidosis. Identifiers: Orphanet 402041, MedGen C1864498, MONDO:0018440.

Allele frequency attached by ClinVar (database versions not stated): 1000 Genomes Project 0.00938; 1000 Genomes Project 30x 0.00968; gnomAD 0.01075 and 0.01078; gnomAD exomes 0.01160; ExAC 0.01170; ESP Exome Variant Server 0.01176; TOPMed 0.01240.
gnomAD v4.1: 21,905 of 1,613,800 alleles (1.4%); highest among the groups gnomAD compares: Admixed American, 1.6%; 185 homozygotes.

Submissions (7):

Labcorp Genetics (formerly Invitae), Labcorp
Classification: Benign. Last evaluated: 2026-02-04. Review status: criteria provided, single submitter. Criteria: Invitae Variant Classification Sherloc (09022015). Collection method: clinical testing. Allele origin: germline.

Fulgent Genetics
Classification: Likely benign for Renal tubular acidosis, distal, 3, with or without sensorineural hearing loss. Last evaluated: 2021-12-15. Review status: criteria provided, single submitter. Criteria: ACMG Guidelines, 2015. Collection method: clinical testing. Allele origin: unknown.

GeneDx
Classification: Likely benign. Last evaluated: 2020-01-11. Review status: criteria provided, single submitter. Criteria: GeneDx Variant Classification Process June 2021. Collection method: clinical testing. Allele origin: germline. Affected: yes.

Illumina Laboratory Services, Illumina
Classification: Benign for Renal tubular acidosis, distal, 3, with or without sensorineural hearing loss. Last evaluated: 2018-01-12. Review status: criteria provided, single submitter. Criteria: ICSL Variant Classification Criteria 13 December 2019. Collection method: clinical testing. Allele origin: germline.
Comment: This variant was observed in the ICSL laboratory as part of a predisposition screen in an ostensibly healthy population. It had not been previously curated by ICSL or reported in the Human Gene Mutation Database (HGMD: prior to June 1st, 2018), and was therefore a candidate for classification through an automated scoring system. Utilizing variant allele frequency, disease prevalence and penetrance estimates, and inheritance mode, an automated score was calculated to assess if this variant is too frequent to cause the disease. Based on the score and internal cut-off values, a variant classified as benign is not then subjected to further curation. The score for this variant resulted in a classification of benign for this disease.

Breakthrough Genomics
Classification: Likely benign. Review status: criteria provided, single submitter. Criteria: ACMG Guidelines, 2015. Collection method: not provided. Allele origin: germline. Inheritance: Autosomal recessive inheritance. Affected: yes.

Genome Diagnostics Laboratory, University Medical Center Utrecht
Classification: Benign. Review status: no assertion criteria provided. Collection method: clinical testing. Allele origin: germline. Affected: yes. Study: VKGL Data-share Consensus. Not counted in ClinVar's aggregate classification.

Joint Genome Diagnostic Labs from Nijmegen and Maastricht, Radboudumc and MUMC+
Classification: Benign. Review status: no assertion criteria provided. Collection method: clinical testing. Allele origin: germline. Affected: yes. Study: VKGL Data-share Consensus. Not counted in ClinVar's aggregate classification.